The following is an entry in ClinVar:

ClinVar aggregate classification (germline): Uncertain significance (1 of 4 stars; one submission).

gnomAD v4.1: 4 of 1,545,176 alleles (0.00026%); highest among the groups gnomAD compares: South Asian, 0.0024%; no homozygotes.

Submission:

Labcorp Genetics (formerly Invitae), Labcorp
Classification: Uncertain significance. Last evaluated: 2022-07-18. Review status: criteria provided, single submitter. Criteria: Invitae Variant Classification Sherloc (09022015). Collection method: clinical testing. Allele origin: germline.
Comment: This sequence change replaces alanine, which is neutral and non-polar, with threonine, which is neutral and polar, at codon 1043 of the EYS protein (p.Ala1043Thr). This variant is not present in population databases (gnomAD no frequency). This variant has not been reported in the literature in individuals affected with EYS-related conditions. Algorithms developed to predict the effect of missense changes on protein structure and function output the following: SIFT: "Tolerated"; PolyPhen-2: "Benign"; Align-GVGD: "Class C0". The threonine amino acid residue is found in multiple mammalian species, which suggests that this missense change does not adversely affect protein function. In summary, the available evidence is currently insufficient to determine the role of this variant in disease. Therefore, it has been classified as a Variant of Uncertain Significance.

NM_001142800.2(EYS):c.3127G>A (p.Ala1043Thr)

Gene: EYS (eyes shut homolog; minus strand). Cytogenetic location: 6q12.
Variant type: single nucleotide variant.
Coding change: c.3127G>A on transcript NM_001142800.2 (MANE Select); coding-DNA position 3127, G replaced by A.
Protein change: p.Ala1043Thr; replaces alanine 1043 with threonine.
Molecular consequence: missense variant.
Genome position (GRCh38, 1-based): chr6:64,822,688, C>T on the plus strand (G>A on the coding strand, the complement: EYS is on the minus strand). VCF-style: chr6-64822688-C-T. GRCh37 (hg19) VCF-style: chr6-65532581-C-T.
Other names: c.3127G>A, p.Ala1043Thr (NM_001292009.2); short protein forms A1043T.
Identifiers: ClinVar variation 1476546 (VCV001476546.5), dbSNP rs2150022688, ClinGen allele CA364787468.